The following is an entry in ClinVar:

ClinVar aggregate classification (germline): Pathogenic/Likely pathogenic. Review status: criteria provided, multiple submitters, no conflicts (2 of 4 stars). 3 submissions from 3 submitters: Pathogenic (2); Likely pathogenic (1). Last evaluated 2024-05-08.

Conditions:
Autosomal recessive nonsyndromic hearing loss 77. Identifiers: Orphanet 90636, MedGen C2746083, MONDO:0013119, OMIM 613079.
Deafness. Identifiers: MedGen C0011053.

gnomAD v4.1: 1 of 1,551,198 alleles (0.000064%); no homozygotes.

Submissions (3):

Myriad Genetics, Inc.
Classification: Pathogenic for Autosomal recessive nonsyndromic hearing loss 77. Last evaluated: 2024-05-08. Review status: criteria provided, single submitter. Criteria: Myriad Autosomal Dominant, Autosomal Recessive and X-Linked Classification Criteria (2023). Collection method: clinical testing. Allele origin: unknown.
Comment: NM_144612.6(LOXHD1):c.746G>A(W249*) is expected to be pathogenic in the context of nonsyndromic hearing loss, LOXHD1-related. This variant is predicted to lead to an abnormal or absent protein product due to the creation of a premature termination codon in LOXHD1, a gene where loss-of-function variants are known to be pathogenic. Please note: this variant was assessed in the context of healthy population screening.

Fulgent Genetics
Classification: Likely pathogenic for Autosomal recessive nonsyndromic hearing loss 77. Last evaluated: 2024-03-05. Review status: criteria provided, single submitter. Criteria: ACMG Guidelines, 2015. Collection method: clinical testing. Allele origin: germline.

MVZ Martinsried, Medicover Genetics
Classification: Pathogenic for Deafness. Last evaluated: 2015-07-30. Review status: criteria provided, single submitter. Criteria: ACMG Guidelines, 2015. Collection method: clinical testing. Allele origin: paternal. Affected: yes.

NM_001384474.1(LOXHD1):c.746G>A (p.Trp249Ter)

Gene: LOXHD1 (lipoxygenase homology PLAT domains 1; minus strand). Cytogenetic location: 18q21.1.
Variant type: single nucleotide variant.
Coding change: c.746G>A on transcript NM_001384474.1 (MANE Select); coding-DNA position 746, G replaced by A.
Protein change: p.Trp249Ter; replaces tryptophan 249 with a stop codon.
Molecular consequence: nonsense.
Genome position (GRCh38, 1-based): chr18:46,610,789, C>T on the plus strand (G>A on the coding strand, the complement: LOXHD1 is on the minus strand). VCF-style: chr18-46610789-C-T. GRCh37 (hg19) VCF-style: chr18-44190752-C-T.
Other names: c.746G>A, p.Trp249Ter (NM_144612.7); short protein forms W249*.
Identifiers: ClinVar variation 448957 (VCV000448957.3), dbSNP rs1248889536, ClinGen allele CA402386738.